The following is an entry in ClinVar:

NM_173543.3(DZIP1L):c.1203+6T>C

Gene: DZIP1L (DAZ interacting zinc finger protein 1 like; minus strand). Cytogenetic location: 3q22.3.
Variant type: single nucleotide variant.
Coding change: c.1203+6T>C on transcript NM_173543.3 (MANE Select); 6 bases into the intron after coding-DNA position 1203, T replaced by C.
Molecular consequence: intron variant.
Genome position (GRCh38, 1-based): chr3:138,084,107, A>G on the plus strand (T>C on the coding strand, the complement: DZIP1L is on the minus strand). VCF-style: chr3-138084107-A-G. GRCh37 (hg19) VCF-style: chr3-137802949-A-G.
Other names: c.1203+6T>C (NM_001170538.1).
Identifiers: ClinVar variation 1962452 (VCV001962452.5), dbSNP rs1345944757, ClinGen allele CA546481935.

ClinVar aggregate classification (germline): Uncertain significance (1 of 4 stars; one submission).

Allele frequency attached by ClinVar (database versions not stated): gnomAD exomes 0.00001.
gnomAD v4.1: 3 of 1,613,342 alleles (0.00019%); highest among the groups gnomAD compares: Admixed American, 0.0033%; no homozygotes.

Submission:

Labcorp Genetics (formerly Invitae), Labcorp
Classification: Uncertain significance. Last evaluated: 2022-12-06. Review status: criteria provided, single submitter. Criteria: Invitae Variant Classification Sherloc (09022015). Collection method: clinical testing. Allele origin: germline.
Comment: Variants that disrupt the consensus splice site are a relatively common cause of aberrant splicing (PMID: 17576681, 9536098). Algorithms developed to predict the effect of sequence changes on RNA splicing suggest that this variant is not likely to affect RNA splicing. This variant has not been reported in the literature in individuals affected with DZIP1L-related conditions. This variant is present in population databases (no rsID available, gnomAD 0.006%). This sequence change falls in intron 8 of the DZIP1L gene. It does not directly change the encoded amino acid sequence of the DZIP1L protein. It affects a nucleotide within the consensus splice site. In summary, the available evidence is currently insufficient to determine the role of this variant in disease. Therefore, it has been classified as a Variant of Uncertain Significance.

Literature cited by the submitters: PubMed 17576681; PubMed 9536098.